The following is an entry in ClinVar:

NM_025114.4(CEP290):c.4860del (p.Phe1620fs)

Gene: CEP290 (centrosomal protein 290; minus strand). Cytogenetic location: 12q21.32.
Variant type: Deletion.
Coding change: c.4860del on transcript NM_025114.4 (MANE Select); coding-DNA position 4860, one base deleted (T; older notation c.4860delT).
Protein change: p.Phe1620fs; shifts the reading frame from phenylalanine 1620.
Molecular consequence: frameshift variant.
Genome position (GRCh38, 1-based): chr12:88,083,183, A deleted on the plus strand (T on the coding strand, the reverse complement: CEP290 is on the minus strand); the first of 4 consecutive A bases (chr12:88,083,183-88,083,186); deleting any one gives the same sequence. VCF-style (leftmost placement, unchanged base first): chr12-88083182-TA-T. GRCh37 (hg19) VCF-style: chr12-88476959-TA-T.
Other names: short protein forms F1620fs.
Identifiers: ClinVar variation 1333520 (VCV001333520.1), dbSNP rs2137155245, ClinGen allele CA2573053765.

ClinVar aggregate classification (germline): Pathogenic (1 of 4 stars; one submission).

Conditions:
Meckel syndrome, type 4 (MKS4). Also called: MECKEL-GRUBER SYNDROME, TYPE 4. Identifiers: Orphanet 564, MedGen C1970161, MONDO:0012626, OMIM 611134.

Submission:

3billion
Classification: Pathogenic for Meckel syndrome, type 4. Last evaluated: 2022-01-03. Review status: criteria provided, single submitter. Criteria: ACMG Guidelines, 2015. Collection method: clinical testing. Allele origin: germline. Affected: yes. Observed: 1 homozygote.
Comment: Frameshift: predicted to result in a loss or disruption of normal protein function through nonsense-mediated decay (NMD) or protein truncation. Multiple pathogenic variants are reported downstream of the variant (PVS1_VS). It is not observed in the gnomAD v2.1.1 dataset (PM2_M). Patient’s phenotype is considered compatible with CEP290-related disorder (PP4_P). Therefore, this variant is classified as pathogenic according to the recommendation of ACMG/AMP guideline.